The following is an entry in ClinVar:

NM_152641.4(ARID2):c.4571G>C (p.Arg1524Thr)

Gene: ARID2 (AT-rich interaction domain 2; plus strand). Cytogenetic location: 12q12.
Variant type: single nucleotide variant.
Coding change: c.4571G>C on transcript NM_152641.4 (MANE Select); coding-DNA position 4571, G replaced by C.
Protein change: p.Arg1524Thr; replaces arginine 1524 with threonine.
Molecular consequence: missense variant.
Genome position (GRCh38, 1-based): chr12:45,852,694, G>C. VCF-style: chr12-45852694-G-C. GRCh37 (hg19) VCF-style: chr12-46246477-G-C.
Other names: c.4571G>C, p.Arg1524Thr (NM_001347839.2); short protein forms R1524T.
Identifiers: ClinVar variation 4689369 (VCV004689369.1).

ClinVar aggregate classification (germline): Uncertain significance (1 of 4 stars; one submission).

gnomAD v4.1: 4 of 1,614,062 alleles (0.00025%); highest among the groups gnomAD compares: East Asian, 0.0067%; no homozygotes.

Submission:

Women's Health and Genetics/Laboratory Corporation of America, LabCorp
Classification: Uncertain significance. Last evaluated: 2026-01-15. Review status: criteria provided, single submitter. Criteria: LabCorp Variant Classification Summary - May 2015. Collection method: clinical testing. Allele origin: germline.
Comment: Variant summary: ARID2 c.4571G>C (p.Arg1524Thr) results in a non-conservative amino acid change in the encoded protein sequence. Algorithms developed to predict the effect of missense changes on protein structure and function are either unavailable or do not agree on the potential impact of this missense change. The variant allele was found at a frequency of 8e-06 in 251046 control chromosomes. The available data on variant occurrences in the general population are insufficient to allow any conclusion about variant significance. To our knowledge, no occurrence of c.4571G>C in individuals affected with ARID2-related conditions and no experimental evidence demonstrating its impact on protein function have been reported. No submitters have cited clinical-significance assessments for this variant to ClinVar. Based on the evidence outlined above, the variant was classified as uncertain significance.